The following is an entry in ClinVar:

ClinVar aggregate classification (germline): Benign. Review status: criteria provided, multiple submitters, no conflicts (2 of 4 stars). 2 submissions from 2 submitters: Benign (2). Last evaluated 2018-06-19.

Allele frequency attached by ClinVar (database versions not stated): 1000 Genomes Project 0.00160; 1000 Genomes Project 30x 0.41615; TOPMed 0.43159; ESP Exome Variant Server 0.42256.
gnomAD v4.1: 641,677 of 1,427,786 alleles (45%); highest among the groups gnomAD compares: Admixed American, 59%; 153,806 homozygotes.

Submissions (2):

GeneDx
Classification: Benign. Last evaluated: 2018-06-19. Review status: criteria provided, single submitter. Criteria: GeneDx Variant Classification (06012015). Collection method: clinical testing. Allele origin: germline. Affected: yes.
Comment: This variant is considered likely benign or benign based on one or more of the following criteria: it is a conservative change, it occurs at a poorly conserved position in the protein, it is predicted to be benign by multiple in silico algorithms, and/or has population frequency not consistent with disease.

Breakthrough Genomics
Classification: Benign. Review status: criteria provided, single submitter. Criteria: ACMG Guidelines, 2015. Collection method: not provided. Allele origin: germline. Inheritance: Autosomal recessive inheritance. Affected: yes.

NM_177924.5(ASAH1):c.126-1828C>T

Gene: ASAH1 (N-acylsphingosine amidohydrolase 1; minus strand). Cytogenetic location: 8p22.
Variant type: single nucleotide variant.
Coding change: c.126-1828C>T on transcript NM_177924.5 (MANE Select); 1828 bases into the intron before coding-DNA position 126, C replaced by T.
Molecular consequence: intron variant.
Genome position (GRCh38, 1-based): chr8:18,073,218, G>A on the plus strand (C>T on the coding strand, the complement: ASAH1 is on the minus strand). VCF-style: chr8-18073218-G-A. GRCh37 (hg19) VCF-style: chr8-17930727-G-A.
Other names: c.174-1828C>T (NM_004315.6); c.194+38C>T (NM_001127505.3); c.-70-1828C>T (NM_001363743.2).
Identifiers: ClinVar variation 678023 (VCV000678023.2), dbSNP rs6586687, ClinGen allele CA4651029.